The following is an entry in ClinVar:

ClinVar aggregate classification (germline): Likely pathogenic (1 of 4 stars; one submission).

Conditions:
Usher syndrome type 1 (USH1). Also called: RETINITIS PIGMENTOSA AND CONGENITAL DEAFNESS. Identifiers: Orphanet 231169, Orphanet 886, MedGen C1568247, MONDO:0010168, OMIM 276900.

Submission:

Myriad Genetics, Inc.
Classification: Likely pathogenic for Usher syndrome type 1. Last evaluated: 2019-09-11. Review status: criteria provided, single submitter. Criteria: Myriad Women's Health Autosomal Recessive and X-Linked Classification Criteria (2019). Collection method: clinical testing. Allele origin: unknown.
Comment: NM_000260.3(MYO7A):c.6231G>A(W2077*) is expected to be pathogenic in the context of MYO7A-related disorders. This variant is predicted to lead to an abnormal or absent protein product due to the creation of a premature termination codon in MYO7A, a gene where loss-of-function variants are known to be pathogenic. Please note: this variant was assessed in the context of healthy population screening.

NM_000260.4(MYO7A):c.6231G>A (p.Trp2077Ter)

Gene: MYO7A (myosin VIIA; plus strand). Cytogenetic location: 11q13.5.
Variant type: single nucleotide variant.
Coding change: c.6231G>A on transcript NM_000260.4 (MANE Select); coding-DNA position 6231, G replaced by A.
Protein change: p.Trp2077Ter; replaces tryptophan 2077 with a stop codon.
Molecular consequence: nonsense.
Genome position (GRCh38, 1-based): chr11:77,211,331, G>A. VCF-style: chr11-77211331-G-A. GRCh37 (hg19) VCF-style: chr11-76922376-G-A.
Other names: c.6117G>A, p.Trp2039Ter (NM_001127180.2); c.6084G>A, p.Trp2028Ter (NM_001369365.1); short protein forms W2028*, W2039*, W2077*.
Identifiers: ClinVar variation 983991 (VCV000983991.3), dbSNP rs1957851234, ClinGen allele CA381936351.